The following is an entry in ClinVar:

ClinVar aggregate classification (germline): Benign/Likely benign. Review status: criteria provided, multiple submitters, no conflicts (2 of 4 stars). 8 submissions from 8 submitters: Benign (3); Likely benign (4). 1 of the submissions does not count toward it. Last evaluated 2026-01-31.

Conditions:
MET-related disorder. Also called: MET-related condition.
Renal cell carcinoma. Identifiers: Orphanet 217071, MedGen C0007134, MeSH D002292, MONDO:0005086, HP:0005584.
Hereditary cancer-predisposing syndrome. Also called: Tumor predisposition; Hereditary neoplastic syndrome; Neoplastic Syndromes, Hereditary; Hereditary Cancer Syndrome. Identifiers: Orphanet 140162, MedGen C0027672, MeSH D009386, MONDO:0015356.
Papillary renal cell carcinoma type 1 (RCCP1). Also called: RENAL CELL CARCINOMA, PAPILLARY, 1, SOMATIC; Renal adenocarcinoma; Renal cell carcinoma 1; Renal cell carcinoma, somatic. Identifiers: Orphanet 47044, MedGen C1336839, OMIM 605074, HP:0011797.

Allele frequency attached by ClinVar (database versions not stated): gnomAD exomes 0.00002 and 0.00008; ExAC 0.00012; ESP Exome Variant Server 0.00025; TOPMed 0.00026; gnomAD 0.00028 and 0.00029; 1000 Genomes Project 30x 0.00078; 1000 Genomes Project 0.00080.

Submissions (8):

Labcorp Genetics (formerly Invitae), Labcorp
Classification: Benign for Renal cell carcinoma. Last evaluated: 2026-01-31. Review status: criteria provided, single submitter. Criteria: Invitae Variant Classification Sherloc (09022015). Collection method: clinical testing. Allele origin: germline.

Myriad Genetics, Inc.
Classification: Benign for Papillary renal cell carcinoma type 1. Last evaluated: 2024-11-07. Review status: criteria provided, single submitter. Criteria: Myriad Autosomal Dominant, Autosomal Recessive and X-Linked Classification Criteria (2023). Collection method: clinical testing. Allele origin: unknown.
Comment: This variant is considered benign. This variant is a silent/synonymous amino acid change and it is not expected to impact splicing.

Blueprint Genetics
Classification: Likely benign. Last evaluated: 2023-12-18. Review status: criteria provided, single submitter. Criteria: ACMG Guidelines, 2015. Collection method: clinical testing. Allele origin: germline.

KCCC/NGS Laboratory, Kuwait Cancer Control Center
Classification: Benign for Papillary renal cell carcinoma type 1. Last evaluated: 2023-07-07. Review status: criteria provided, single submitter. Criteria: ACMG Guidelines, 2015. Collection method: clinical testing. Allele origin: germline. Affected: yes.

Sema4
Classification: Likely benign for Hereditary cancer-predisposing syndrome. Last evaluated: 2021-02-18. Review status: criteria provided, single submitter. Criteria: Sema4 Curation Guidelines. Collection method: curation. Allele origin: germline.

GeneDx
Classification: Likely benign. Last evaluated: 2019-08-06. Review status: criteria provided, single submitter. Criteria: GeneDx Variant Classification Process June 2021. Collection method: clinical testing. Allele origin: germline. Affected: yes.

Ambry Genetics
Classification: Likely benign for Hereditary cancer-predisposing syndrome. Last evaluated: 2015-09-11. Review status: criteria provided, single submitter. Criteria: Ambry Variant Classification Scheme 2023. Collection method: clinical testing. Allele origin: germline.

PreventionGenetics, part of Exact Sciences
Classification: Likely benign for MET-related condition. Last evaluated: 2023-02-07. Review status: no assertion criteria provided. Collection method: clinical testing. Allele origin: germline. Not counted in ClinVar's aggregate classification.
Comment: This variant is classified as likely benign based on ACMG/AMP sequence variant interpretation guidelines (Richards et al. 2015 PMID: 25741868, with internal and published modifications).

NM_000245.4(MET):c.1191C>T (p.Cys397=)

Gene: MET (MET proto-oncogene, receptor tyrosine kinase; plus strand). Cytogenetic location: 7q31.2.
Variant type: single nucleotide variant.
Coding change: c.1191C>T on transcript NM_000245.4 (MANE Select); coding-DNA position 1191, C replaced by T.
Protein change: p.Cys397=; no amino-acid change (cysteine 397 retained).
Molecular consequence: synonymous variant. On other transcripts: intron variant (1).
Genome position (GRCh38, 1-based): chr7:116,700,275, C>T. VCF-style: chr7-116700275-C-T. GRCh37 (hg19) VCF-style: chr7-116340329-C-T.
Other names: c.1191C>T (NM_001127500.2); c.1191C>T, p.Cys397= (NM_001127500.3, NM_001324401.3); c.-91+27698C>T (NM_001324402.2).
Identifiers: ClinVar variation 135957 (VCV000135957.24), dbSNP rs35763409, ClinGen allele CA332655.
Genomic context (GRCh38, chr7:116,700,275, plus strand): 5'-CGTCAACAAAAACAATGTGAGATGTCTCCAGCATTTTTACGGACCCAATCATGAGCACTG[C>T]TTTAATAGGGTAAGTCACATCAGTTCCCCACTTATAAACTGTGAGGTATAAATTAGAAAT-3'
Protein context (NP_000236.2, residues 387-407): QHFYGPNHEH[Cys397=]FNRTLLRNSS